The following is an entry in ClinVar:

ClinVar aggregate classification (germline): Pathogenic/Likely pathogenic. Review status: criteria provided, multiple submitters, no conflicts (2 of 4 stars). 7 submissions from 7 submitters: Pathogenic (3); Likely pathogenic (3). 1 of the submissions does not count toward it. Last evaluated 2026-01-14.

Conditions:
Metachromatic leukodystrophy, juvenile type. Also called: Metachromatic leukodystrophy, juvenile form. Identifiers: Orphanet 309263, MedGen C0751276, MONDO:0009591.
Metachromatic leukodystrophy (MLD). Also called: Cerebral sclerosis diffuse metachromatic form; Arylsulfatase A Deficiency; CEREBROSIDE SULFATASE DEFICIENCY; METACHROMATIC LEUKOENCEPHALOPATHY; SULFATIDE LIPIDOSIS; ARSA DEFICIENCY. Identifiers: Orphanet 512, MedGen C0023522, MONDO:0018868, OMIM 250100.

Allele frequency attached by ClinVar (database versions not stated): gnomAD exomes below 0.00001; TOPMed 0.00001.
gnomAD v4.1: 3 of 1,613,186 alleles (0.00019%); highest among the groups gnomAD compares: African/African-American, 0.0013%; no homozygotes.

Submissions (8):

Dasa
Classification: Likely pathogenic for metachromatic leukodystrophy, juvenile form. Last evaluated: 2026-01-14. Review status: criteria provided, single submitter. Criteria: DASA Assertion Criteria. Collection method: clinical testing. Allele origin: germline.
Comment: NM_000487.6(ARSA):c.851A>G (p.Asn284Ser) is a missense variant that results in the substitution of asparagine with serine. The affected residue or protein region has prior evidence supporting clinical relevance. Segregation data support an association with disease in the reported family/families (PMID: 40514726). This variant has been recurrently observed in individuals with ARSA-related disorders (PMID: 40514726; PMID: 37480112; PMID: 33185815). Functional evidence supports an impact on the gene or gene product. Also, this variant is rare in population databases. Computational evidence supports a deleterious effect. Based on the currently available evidence, this variant is classified as likely pathogenic.

Natera, Inc.
Classification: Likely pathogenic for Metachromatic leukodystrophy. Last evaluated: 2025-08-13. Review status: criteria provided, single submitter. Criteria: Natera Variant Classification Schema (03/2026). Collection method: clinical testing. Allele origin: germline.
Comment: The c.851A>G variant in ARSA is a missense variant predicted to cause substitution of asparagine to serine at amino acid 284. This variant is rare in the general population with a frequency below the threshold expected for the associated phenotype(s). This variant has been observed in one or more individuals affected with the associated recessive disease, as either homozygous or compound heterozygous with a second variant (PMID: 33185815). Computational prediction algorithms indicate this variant is likely to affect gene or protein function. Given the available evidence, this variant is classified as Likely Pathogenic.

GeneDx
Classification: Pathogenic. Last evaluated: 2025-01-02. Review status: criteria provided, single submitter. Criteria: GeneDx Variant Classification Process June 2021. Collection method: clinical testing. Allele origin: germline. Affected: yes.
Comment: Not observed at significant frequency in large population cohorts (gnomAD); In silico analysis supports that this missense variant has a deleterious effect on protein structure/function; In silico analysis supports a deleterious effect on splicing; Also known as p.(N282S); This variant is associated with the following publications: (PMID: 23559313, 18693274, 37480112, 33185815)

Women's Health and Genetics/Laboratory Corporation of America, LabCorp
Classification: Pathogenic for Metachromatic leukodystrophy. Last evaluated: 2024-08-14. Review status: criteria provided, single submitter. Criteria: LabCorp Variant Classification Summary - May 2015. Collection method: clinical testing. Allele origin: germline.
Comment: Variant summary: ARSA c.851A>G (p.Asn284Ser) results in a conservative amino acid change in the encoded protein sequence. Two of four in-silico tools predict a benign effect of the variant on protein function. The frequency data for this variant in gnomAD is considered unreliable, as metrics indicate poor data quality at this position. c.851A>G has been reported in the literature in multiple individuals affected with Metachromatic Leukodystrophy (e.g. Grossi_2008, Amr_2021). These data indicate that the variant is very likely to be associated with disease. At least one publication reports experimental evidence evaluating an impact on protein function, finding that the variant resulted in <1% of wild type ARSA activity (Grossi_2008). The following publications have been ascertained in the context of this evaluation (PMID: 18693274, 33185815). ClinVar contains an entry for this variant (Variation ID: 68152). Based on the evidence outlined above, the variant was classified as pathogenic.

Labcorp Genetics (formerly Invitae), Labcorp
Classification: Pathogenic for Metachromatic leukodystrophy. Last evaluated: 2023-11-02. Review status: criteria provided, single submitter. Criteria: Invitae Variant Classification Sherloc (09022015). Collection method: clinical testing. Allele origin: germline.
Comment: This sequence change replaces asparagine, which is neutral and polar, with serine, which is neutral and polar, at codon 284 of the ARSA protein (p.Asn284Ser). This variant is not present in population databases (gnomAD no frequency). This missense change has been observed in individual(s) with metachromatic leukodystrophy (PMID: 33185815). This variant is also known as c.845A>G (p.Asn282Ser). ClinVar contains an entry for this variant (Variation ID: 68152). Advanced modeling of protein sequence and biophysical properties (such as structural, functional, and spatial information, amino acid conservation, physicochemical variation, residue mobility, and thermodynamic stability) performed at Invitae indicates that this missense variant is expected to disrupt ARSA protein function with a positive predictive value of 95%. Experimental studies have shown that this missense change affects ARSA function (PMID: 18693274). Algorithms developed to predict the effect of sequence changes on RNA splicing suggest that this variant may create or strengthen a splice site. For these reasons, this variant has been classified as Pathogenic.

3billion
Classification: Likely pathogenic for Metachromatic leukodystrophy. Last evaluated: 2022-09-01. Review status: criteria provided, single submitter. Criteria: ACMG Guidelines, 2015. Collection method: clinical testing. Allele origin: germline. Affected: yes. Observed: 1 homozygote.
Comment: The variant is not observed in the gnomAD v2.1.1 dataset. Missense changes are a common disease-causing mechanism. In silico tool predictions suggest damaging effect of the variant on gene or gene product (REVEL: 0.86; 3Cnet: 1.00). Same nucleotide change resulting in same amino acid change has been previously reported to be associated with ARSA -related disorder (PMID: 18693274). A different missense change at the same codon (p.Asn284Lys) has been reported to be associated with ARSA -related disorder (ClinVar ID: VCV000431089 / PMID: 28762252). Therefore, this variant is classified as Likely pathogenic according to the recommendation of ACMG/AMP guideline.

Gelb Laboratory, University of Washington
No classification provided (evidence only). Condition: Metachromatic leukodystrophy. Review status: no classification provided. Collection method: in vitro. Allele origin: not applicable. Functional consequence: loss of function. Not counted in ClinVar's aggregate classification.

UniProtKB/Swiss-Prot
No classification provided. Review status: no classification provided. Collection method: not provided. Allele origin: not provided. Not counted in ClinVar's aggregate classification.

Literature cited by the submitters: PubMed 18693274 (cited by 4 submitters); PubMed 40514726 (cited by Dasa); PubMed 37480112 (cited by Dasa); PubMed 33185815 (cited by 4 submitters); PubMed 28762252 (cited by 3billion).

NM_000487.6(ARSA):c.851A>G (p.Asn284Ser)

Gene: ARSA (arylsulfatase A; minus strand). Cytogenetic location: 22q13.33.
Variant type: single nucleotide variant.
Coding change: c.851A>G on transcript NM_000487.6 (MANE Select); coding-DNA position 851, A replaced by G.
Protein change: p.Asn284Ser; replaces asparagine 284 with serine.
Molecular consequence: missense variant.
Genome position (GRCh38, 1-based): chr22:50,626,594, T>C on the plus strand (A>G on the coding strand, the complement: ARSA is on the minus strand). VCF-style: chr22-50626594-T-C. GRCh37 (hg19) VCF-style: chr22-51065022-T-C.
Other names: c.851A>G, p.Asn284Ser (NM_001085425.3, NM_001085426.3, NM_001085427.3); c.593A>G, p.Asn198Ser (NM_001085428.3, NM_001362782.2); short protein forms N284S, N198S.
Identifiers: ClinVar variation 68152 (VCV000068152.12), dbSNP rs199476342, ClinGen allele CA219060.